The following is an entry in ClinVar:

NC_000021.8:g.(?_19651261)_(19653558_?)dup

Gene: TMPRSS15 (transmembrane serine protease 15; minus strand). Cytogenetic location: 21q21.1.
Variant type: Duplication.
Identifiers: ClinVar variation 3248180 (VCV003248180.1).

ClinVar aggregate classification (germline): Likely pathogenic (1 of 4 stars; one submission).

Submission:

Labcorp Genetics (formerly Invitae), Labcorp
Classification: Likely pathogenic. Last evaluated: 2023-03-19. Review status: criteria provided, single submitter. Criteria: Invitae Variant Classification Sherloc (09022015). Collection method: clinical testing. Allele origin: unknown.
Comment: In summary, the currently available evidence indicates that the variant is pathogenic, but additional data are needed to prove that conclusively. Therefore, this variant has been classified as Likely Pathogenic. This variant has not been reported in the literature in individuals affected with TMPRSS15-related conditions. This variant results in a copy number gain of the genomic region encompassing exon(s) 22-23 of the TMPRSS15 gene. While the exact position of this variant cannot be determined from the data, sub-genic copy number gains are generally in tandem (PMID: 25640679). This variant is predicted to be out-of-frame, and may result in an absent or disrupted protein product. Loss-of-function variants in TMPRSS15 are known to be pathogenic (PMID: 11719902).

Literature cited by the submitters: PubMed 25640679; PubMed 11719902.